The following is an entry in ClinVar:

ClinVar aggregate classification (germline): Uncertain significance. Review status: reviewed by expert panel (3 of 4 stars). 4 submissions from 4 submitters: Uncertain significance (1). 3 of the submissions do not count toward it. Last evaluated 2026-11-03.

Conditions:
DICER1-related tumor predisposition. Also called: DICER1 syndrome; DICER1-related pleuropulmonary blastoma cancer predisposition syndrome. Identifiers: Orphanet 284343, MedGen C3839822, MONDO:0100216.
Hereditary cancer-predisposing syndrome. Also called: Neoplastic Syndromes, Hereditary; Hereditary Cancer Syndrome; Hereditary neoplastic syndrome; Tumor predisposition. Identifiers: Orphanet 140162, MedGen C0027672, MeSH D009386, MONDO:0015356.

Allele frequency attached by ClinVar (database versions not stated): gnomAD exomes below 0.00001; TOPMed 0.00002; gnomAD 0.00001.
gnomAD v4.1: 5 of 1,614,006 alleles (0.00031%); highest among the groups gnomAD compares: African/African-American, 0.0067%; no homozygotes.

Submissions (4):

ClinGen DICER1 and miRNA-Processing Gene Variant Curation Expert Panel, ClinGen
Classification: Uncertain significance for DICER1-related tumor predisposition. Last evaluated: 2026-11-03. Review status: reviewed by expert panel. Criteria: ClinGen DICER1 and miRNA-Processing Gene Expert Panel Specifications to the ACMG/AMP Variant Interpretation Guidelines for DICER1 Version 1.4. Collection method: curation. Allele origin: germline. Inheritance: Autosomal dominant inheritance.
Comment: The NM_177438.3:c.5744A>G variant in DICER1 is a missense variant predicted to cause substitution of Asparagine by Serine at amino acid 1915 (p.Asn1915Ser). Although this variant has been observed in individuals undergoing genetic sequencing, to our knowledge, this variant has not been reported in individuals with DICER1-related tumor predisposition (PS4 not met; Internal lab contributors). The highest population minor allele frequency in gnomAD v.4.1.1 is 0.00006672 (5/74942 alleles) in the African/African American population (PM2_Supporting, BS1, and BA1 are not met). The computational predictor REVEL gives a score of 0.184, which is below the threshold of 0.5, and the splice site predictors MaxEntScan and SpliceAI indicate that the variant has no impact on splicing, evidence that does not predict a damaging effect on DICER1 function (BP4). In summary, this variant meets the criteria to be classified as Uncertain Significance for DICER1 syndrome based on the ACMG/AMP criteria applied, as specified by the ClinGen DICER1 VCEP: BP4. (VCEP specifications version 1.4.0; 8/12/2026). Based on Tavtigian et al 2020 (PMID:32720330), the total points applied = -1, which equates to a classification of Uncertain Significance.

Ambry Genetics
Classification: Likely benign for Hereditary cancer-predisposing syndrome. Last evaluated: 2025-06-05. Review status: criteria provided, single submitter. Criteria: Ambry Variant Classification Scheme 2023. Collection method: clinical testing. Allele origin: germline. Not counted in ClinVar's aggregate classification.

Labcorp Genetics (formerly Invitae), Labcorp
Classification: Uncertain significance for DICER1-related tumor predisposition. Last evaluated: 2025-02-24. Review status: criteria provided, single submitter. Criteria: Invitae Variant Classification Sherloc (09022015). Collection method: clinical testing. Allele origin: germline. Not counted in ClinVar's aggregate classification.
Comment: This sequence change replaces asparagine, which is neutral and polar, with serine, which is neutral and polar, at codon 1915 of the DICER1 protein (p.Asn1915Ser). This variant is not present in population databases (gnomAD no frequency). This variant has not been reported in the literature in individuals affected with DICER1-related conditions. ClinVar contains an entry for this variant (Variation ID: 825934). An algorithm developed to predict the effect of missense changes on protein structure and function outputs the following: PolyPhen-2: "Benign". The serine amino acid residue is found in multiple mammalian species, which suggests that this missense change does not adversely affect protein function. In summary, the available evidence is currently insufficient to determine the role of this variant in disease. Therefore, it has been classified as a Variant of Uncertain Significance.

GeneDx
Classification: Uncertain significance. Last evaluated: 2023-12-18. Review status: criteria provided, single submitter. Criteria: GeneDx Variant Classification Process June 2021. Collection method: clinical testing. Allele origin: germline. Affected: yes. Not counted in ClinVar's aggregate classification.
Comment: Not observed at significant frequency in large population cohorts (gnomAD); In silico analysis supports that this missense variant does not alter protein structure/function; Has not been previously published as pathogenic or benign to our knowledge

NM_177438.3(DICER1):c.5744A>G (p.Asn1915Ser)

Gene: DICER1 (dicer 1, ribonuclease III; minus strand). Cytogenetic location: 14q32.13.
Variant type: single nucleotide variant.
Coding change: c.5744A>G on transcript NM_177438.3 (MANE Select); coding-DNA position 5744, A replaced by G.
Protein change: p.Asn1915Ser; replaces asparagine 1915 with serine.
Molecular consequence: missense variant. On other transcripts: 3 prime UTR variant (1).
Genome position (GRCh38, 1-based): chr14:95,090,523, T>C on the plus strand (A>G on the coding strand, the complement: DICER1 is on the minus strand). VCF-style: chr14-95090523-T-C. GRCh37 (hg19) VCF-style: chr14-95556860-T-C.
Other names: NM_177438.3(DICER1):c.5744A>G; p.Asn1915Ser; c.*91A>G (NM_001195573.1); c.5744A>G, p.Asn1915Ser (NM_001271282.3, NM_001291628.2, NM_030621.4); short protein forms N1915S.
Identifiers: ClinVar variation 825934 (VCV000825934.18), dbSNP rs1178537434, ClinGen allele CA390862947.